The following is an entry in ClinVar:

NM_012309.5(SHANK2):c.520C>T (p.Arg174Cys)

Gene: SHANK2 (SH3 and multiple ankyrin repeat domains 2; minus strand). Cytogenetic location: 11q13.4.
Variant type: single nucleotide variant.
Coding change: c.520C>T on transcript NM_012309.5 (MANE Select); coding-DNA position 520, C replaced by T.
Protein change: p.Arg174Cys; replaces arginine 174 with cysteine.
Molecular consequence: missense variant.
Genome position (GRCh38, 1-based): chr11:71,110,013, G>A on the plus strand (C>T on the coding strand, the complement: SHANK2 is on the minus strand). VCF-style: chr11-71110013-G-A. GRCh37 (hg19) VCF-style: chr11-70821059-G-A.
Other names: c.520C>T (NM_012309.4); short protein forms R174C.
Identifiers: ClinVar variation 305916 (VCV000305916.8), dbSNP rs7926203, ClinGen allele CA6162113.

ClinVar aggregate classification (germline): Likely benign. Review status: criteria provided, single submitter (1 of 4 stars). 2 submissions from 2 submitters: Likely benign (1). 1 of the submissions does not count toward it.

Conditions:
SHANK2-related disorder.

Allele frequency attached by ClinVar (database versions not stated): gnomAD exomes 0.00219 and 0.00529; ExAC 0.00851; ESP Exome Variant Server 0.02278; gnomAD 0.02330 and 0.02486; TOPMed 0.02662; 1000 Genomes Project 0.03075; 1000 Genomes Project 30x 0.03232.
gnomAD v4.1: 6,778 of 1,551,498 alleles (0.44%); highest among the groups gnomAD compares: African/African-American, 8.2%; 256 homozygotes.

Submissions (2):

Breakthrough Genomics
Classification: Likely benign. Review status: criteria provided, single submitter. Criteria: ACMG Guidelines, 2015. Collection method: not provided. Allele origin: germline. Inheritance: Unknown mechanism. Affected: yes.

PreventionGenetics, part of Exact Sciences
Classification: Benign for SHANK2-related condition. Last evaluated: 2020-11-10. Review status: no assertion criteria provided. Collection method: clinical testing. Allele origin: germline. Not counted in ClinVar's aggregate classification.
Comment: This variant is classified as benign based on ACMG/AMP sequence variant interpretation guidelines (Richards et al. 2015 PMID: 25741868, with internal and published modifications).